The following is an entry in ClinVar:

ClinVar aggregate classification (germline): Likely benign (1 of 4 stars; one submission).

Allele frequency attached by ClinVar (database versions not stated): gnomAD exomes 0.00018; ExAC 0.00070; 1000 Genomes Project 30x 0.00156; ESP Exome Variant Server 0.00238; gnomAD 0.00243; TOPMed 0.00272.
gnomAD v4.1: 642 of 1,610,414 alleles (0.04%); highest among the groups gnomAD compares: African/African-American, 0.8%; 3 homozygotes.

Submission:

CeGaT Center for Human Genetics Tuebingen
Classification: Likely benign. Last evaluated: 2022-07-01. Review status: criteria provided, single submitter. Criteria: CeGaT Center For Human Genetics Tuebingen Variant Classification Criteria Version 2. Collection method: clinical testing. Allele origin: germline. Affected: yes. Observed: 1 variant allele.
Comment: NLRP4: BP4, BP7

NM_134444.5(NLRP4):c.2913G>A (p.Thr971=)

Gene: NLRP4 (NLR family pyrin domain containing 4; plus strand). Cytogenetic location: 19q13.43.
Variant type: single nucleotide variant.
Coding change: c.2913G>A on transcript NM_134444.5 (MANE Select); coding-DNA position 2913, G replaced by A.
Protein change: p.Thr971=; no amino-acid change (threonine 971 retained).
Molecular consequence: synonymous variant.
Genome position (GRCh38, 1-based): chr19:55,881,515, G>A. VCF-style: chr19-55881515-G-A. GRCh37 (hg19) VCF-style: chr19-56392881-G-A.
Identifiers: ClinVar variation 2650545 (VCV002650545.24), dbSNP rs151127663, ClinGen allele CA9683122.